The following is an entry in ClinVar:

ClinVar aggregate classification (germline): Uncertain significance. Review status: criteria provided, multiple submitters, no conflicts (2 of 4 stars). 2 submissions from 2 submitters: Uncertain significance (2). Last evaluated 2025-02-27.

Conditions:
Hereditary cancer-predisposing syndrome. Also called: Tumor predisposition; Hereditary neoplastic syndrome; Hereditary Cancer Syndrome; Neoplastic Syndromes, Hereditary. Identifiers: Orphanet 140162, MedGen C0027672, MeSH D009386, MONDO:0015356.

Submissions (2):

Labcorp Genetics (formerly Invitae), Labcorp
Classification: Uncertain significance. Last evaluated: 2025-02-27. Review status: criteria provided, single submitter. Criteria: Invitae Variant Classification Sherloc (09022015). Collection method: clinical testing. Allele origin: germline.
Comment: This sequence change falls in intron 3 of the FH gene. It does not directly change the encoded amino acid sequence of the FH protein. It affects a nucleotide within the consensus splice site. This variant is not present in population databases (gnomAD no frequency). This variant has not been reported in the literature in individuals affected with FH-related conditions. ClinVar contains an entry for this variant (Variation ID: 962357). Variants that disrupt the consensus splice site are a relatively common cause of aberrant splicing (PMID: 17576681, 9536098). RNA analysis provides insufficient evidence to determine the effect of this variant on FH splicing (internal data). In summary, the available evidence is currently insufficient to determine the role of this variant in disease. Therefore, it has been classified as a Variant of Uncertain Significance.

Ambry Genetics
Classification: Uncertain significance for Hereditary cancer-predisposing syndrome. Last evaluated: 2024-11-29. Review status: criteria provided, single submitter. Criteria: Ambry Variant Classification Scheme 2023. Collection method: clinical testing. Allele origin: germline.
Comment: The c.378+5G>A intronic variant results from a G to A substitution 5 nucleotides after coding exon 3 in the FH gene. This nucleotide position is highly conserved in available vertebrate species. In silico splice site analysis predicts that this alteration will result in the creation or strengthening of a novel splice donor site; however, direct evidence is insufficient at this time (Ambry internal data). Based on the available evidence, the clinical significance of this variant remains unclear.

Literature cited by the submitters: PubMed 17576681 (cited by Labcorp Genetics (formerly Invitae), Labcorp); PubMed 9536098 (cited by Labcorp Genetics (formerly Invitae), Labcorp).

NM_000143.4(FH):c.378+5G>A

Gene: FH (fumarate hydratase; minus strand). Cytogenetic location: 1q43.
Variant type: single nucleotide variant.
Coding change: c.378+5G>A on transcript NM_000143.4 (MANE Select); 5 bases into the intron after coding-DNA position 378, G replaced by A.
Molecular consequence: intron variant.
Genome position (GRCh38, 1-based): chr1:241,513,598, C>T on the plus strand (G>A on the coding strand, the complement: FH is on the minus strand). VCF-style: chr1-241513598-C-T. GRCh37 (hg19) VCF-style: chr1-241676898-C-T.
Identifiers: ClinVar variation 962357 (VCV000962357.9), dbSNP rs1660143514, ClinGen allele CA1139656708.